The following is an entry in ClinVar:

ClinVar aggregate classification (germline): Uncertain significance (1 of 4 stars; one submission).

Conditions:
Hypertrophic cardiomyopathy. Also called: HYPERTROPHIC MYOCARDIOPATHY. Identifiers: Orphanet 217569, MedGen C0007194, MeSH D002312, MONDO:0005045, HP:0001639.

Submission:

Labcorp Genetics (formerly Invitae), Labcorp
Classification: Uncertain significance for Hypertrophic cardiomyopathy. Last evaluated: 2022-03-18. Review status: criteria provided, single submitter. Criteria: Invitae Variant Classification Sherloc (09022015). Collection method: clinical testing. Allele origin: germline.
Comment: This sequence change replaces alanine, which is neutral and non-polar, with isoleucine, which is neutral and non-polar, at codon 917 of the MYH7 protein (p.Ala917Ile). Information on the frequency of this variant in the gnomAD database is not available, as this variant may be reported differently in the database. This variant has not been reported in the literature in individuals affected with MYH7-related conditions. ClinVar contains an entry for this variant (Variation ID: 569619). Algorithms developed to predict the effect of missense changes on protein structure and function are either unavailable or do not agree on the potential impact of this missense change (SIFT: "Not Available"; PolyPhen-2: "Benign"; Align-GVGD: "Not Available"). In summary, the available evidence is currently insufficient to determine the role of this variant in disease. Therefore, it has been classified as a Variant of Uncertain Significance.

NM_000257.4(MYH7):c.2749_2750delinsAT (p.Ala917Ile)

Gene: MYH7 (myosin heavy chain 7; minus strand). Cytogenetic location: 14q11.2.
Variant type: Indel.
Coding change: c.2749_2750delinsAT on transcript NM_000257.4 (MANE Select); coding-DNA positions 2749 to 2750, GC replaced by AT.
Protein change: p.Ala917Ile; replaces alanine 917 with isoleucine.
Molecular consequence: missense variant.
Genome position (GRCh38, 1-based): chr14:23,424,079-23,424,080, GC replaced by AT on the plus strand (GC replaced by AT on the coding strand, the reverse complement: MYH7 is on the minus strand). VCF-style: chr14-23424079-GC-AT. GRCh37 (hg19) VCF-style: chr14-23893288-GC-AT.
Other names: short protein forms A917I.
Identifiers: ClinVar variation 569619 (VCV000569619.8), dbSNP rs1566530741, ClinGen allele CA891844298.